The following is an entry in ClinVar:

NM_001356.5(DDX3X):c.1441_1442dup (p.Glu482fs)

Gene: DDX3X (DEAD-box helicase 3 X-linked; plus strand). Cytogenetic location: Xp11.4.
Variant type: Microsatellite.
Coding change: c.1441_1442dup on transcript NM_001356.5 (MANE Select); coding-DNA positions 1441 to 1442, 2 bases duplicated (GA; older notation c.1441_1442dupGA).
Protein change: p.Glu482fs; shifts the reading frame from glutamic acid 482.
Molecular consequence: frameshift variant. On other transcripts: non-coding transcript variant (1).
Genome position (GRCh38, 1-based): chrX:41,346,354-41,346,355, GA duplicated; duplicating any 2 consecutive bases within chrX:41,346,351-41,346,355 gives the same sequence; the c. name uses the placement nearest the transcript's 3' end. VCF-style (leftmost placement, unchanged base first): chrX-41346350-T-TAG. GRCh37 (hg19) VCF-style: chrX-41205603-T-TAG.
Other names: c.1441_1442dup, p.Glu482fs (NM_001193416.3); c.1393_1394dup, p.Glu466fs (NM_001193417.3); c.883_884dup, p.Glu296fs (NM_001363819.1); short protein forms E296fs, E466fs, E482fs.
Identifiers: ClinVar variation 3912067 (VCV003912067.1).
Genomic context (GRCh38, chrX:41,346,350, plus strand): 5'-TTTCTTATACCATGAAGGATACGCATGTACCAGCATCCATGGAGACCGTTCTCAGAGGGA[T>TAG]AGAGAAGAGGCCCTTCACCAGTTCCGCTCAGGAAAAAGCCCAATTTTAGTGGCTACAGCA-3'

ClinVar aggregate classification (germline): Pathogenic (1 of 4 stars; one submission).

Conditions:
Intellectual disability, X-linked 102 (MRXSSB). Also called: Intellectual developmental disorder, X-linked syndromic, Snijders Blok type. Identifiers: Orphanet 457260, MedGen C5393299, MONDO:0010497, OMIM 300958.

Submission:

Molecular Genetics Laboratory, Motol Hospital
Classification: Pathogenic for Intellectual disability, X-linked 102. Last evaluated: 2025-06-23. Review status: criteria provided, single submitter. Criteria: ACMG Guidelines, 2015. Collection method: clinical testing. Allele origin: de novo. Affected: yes. Observed: 1 variant allele.
Comment: Not present in gnomAD (v4.1.0), dbSNP or ClinVar (PM2). Rare truncating variants affecting the DDX3X gene are documented as a molecular cause of "Snijders Blok type of X-linked syndromic intellectual developmental disorder" (MRXSSB, MIM:300958; PMID:30936465;PMID:26235985;PMID:38058759).To conclude, the variant is classified as pathogenic (ACMG PM2, PS2, PVS1).

Literature cited by the submitters: PubMed 30936465; PubMed 26235985; PubMed 38058759.